The following is an entry in ClinVar:

NM_001001331.4(ATP2B2):c.1410G>A (p.Ser470=)

Gene: ATP2B2 (ATPase plasma membrane Ca2+ transporting 2; minus strand). Cytogenetic location: 3p25.3.
Variant type: single nucleotide variant.
Coding change: c.1410G>A on transcript NM_001001331.4 (MANE Select); coding-DNA position 1410, G replaced by A.
Protein change: p.Ser470=; no amino-acid change (serine 470 retained).
Molecular consequence: synonymous variant.
Genome position (GRCh38, 1-based): chr3:10,375,436, C>T on the plus strand (G>A on the coding strand, the complement: ATP2B2 is on the minus strand). VCF-style: chr3-10375436-C-T. GRCh37 (hg19) VCF-style: chr3-10417120-C-T.
Other names: c.1275G>A (NM_001683.3); c.1275G>A, p.Ser425= (NM_001330611.3, NM_001353564.1, NM_001363862.1 and 1 more transcripts).
Identifiers: ClinVar variation 2893723 (VCV002893723.4), dbSNP rs556206364, ClinGen allele CA70116084.
Genomic context (GRCh38, chr3:10,375,436, plus strand): 5'-GGCCCTCAGCTGCAGCTGCATCAGCCGGCTGGTCCTGCTCTCCTCCCCTCTCACCTTCAC[C>T]GAATAGGCCAACGAGATGGTGACGGCCAGAGGGAGCCCCTCGGGCACGGCGACCACCAGC-3'
Protein context (NP_001001331.1, residues 460-480): PLAVTISLAY[Ser470=]VKKMMKDNNL

ClinVar aggregate classification (germline): Likely benign. Review status: criteria provided, multiple submitters, no conflicts (2 of 4 stars). 2 submissions from 2 submitters: Likely benign (2). Last evaluated 2026-04-07.

Conditions:
ATP2B2-related disorder. Also called: ATP2B2-related condition.

Allele frequency attached by ClinVar (database versions not stated): gnomAD 0.00003.
gnomAD v4.1: 38 of 1,611,582 alleles (0.0024%); highest among the groups gnomAD compares: East Asian, 0.0045%; no homozygotes.

Submissions (2):

PreventionGenetics, part of Exact Sciences
Classification: Likely benign for ATP2B2-related condition. Last evaluated: 2026-04-07. Review status: criteria provided, single submitter. Criteria: ACMG Guidelines, 2015. Collection method: clinical testing. Allele origin: germline.
Comment: This variant is classified as likely benign based on ACMG/AMP sequence variant interpretation guidelines (Richards et al. 2015 PMID: 25741868, with internal and published modifications).

Labcorp Genetics (formerly Invitae), Labcorp
Classification: Likely benign. Last evaluated: 2023-03-17. Review status: criteria provided, single submitter. Criteria: Invitae Variant Classification Sherloc (09022015). Collection method: clinical testing. Allele origin: germline.